The following is an entry in ClinVar:

ClinVar aggregate classification (germline): Uncertain significance (1 of 4 stars; one submission).

Conditions:
Cardiovascular phenotype. Identifiers: MedGen CN230736.

Submission:

Ambry Genetics
Classification: Uncertain significance for Cardiovascular phenotype. Last evaluated: 2023-03-18. Review status: criteria provided, single submitter. Criteria: Ambry Variant Classification Scheme 2023. Collection method: clinical testing. Allele origin: germline.
Comment: The p.S546P variant (also known as c.1636T>C), located in coding exon 12 of the TRPM4 gene, results from a T to C substitution at nucleotide position 1636. The serine at codon 546 is replaced by proline, an amino acid with similar properties. This amino acid position is not well conserved in available vertebrate species. In addition, this alteration is predicted to be tolerated by in silico analysis. Since supporting evidence is limited at this time, the clinical significance of this alteration remains unclear.

NM_017636.4(TRPM4):c.1636T>C (p.Ser546Pro)

Gene: TRPM4 (transient receptor potential cation channel subfamily M member 4; plus strand). Cytogenetic location: 19q13.33.
Variant type: single nucleotide variant.
Coding change: c.1636T>C on transcript NM_017636.4 (MANE Select); coding-DNA position 1636, T replaced by C.
Protein change: p.Ser546Pro; replaces serine 546 with proline.
Molecular consequence: missense variant.
Genome position (GRCh38, 1-based): chr19:49,183,105, T>C. VCF-style: chr19-49183105-T-C. GRCh37 (hg19) VCF-style: chr19-49686362-T-C.
Other names: c.1636T>C, p.Ser546Pro (NM_001195227.2); c.1291T>C, p.Ser431Pro (NM_001321281.2); c.28T>C, p.Ser10Pro (NM_001321282.2); c.1114T>C, p.Ser372Pro (NM_001321283.2); c.574T>C, p.Ser192Pro (NM_001321285.2); short protein forms S10P, S431P, S192P, S546P, S372P.
Identifiers: ClinVar variation 2563496 (VCV002563496.2), dbSNP rs2514119244, ClinGen allele CA406800331.